The following is an entry in ClinVar:

ClinVar aggregate classification (germline): Uncertain significance (1 of 4 stars; one submission).

Conditions:
Hereditary cancer-predisposing syndrome. Also called: Neoplastic Syndromes, Hereditary; Tumor predisposition; Hereditary Cancer Syndrome; Hereditary neoplastic syndrome. Identifiers: Orphanet 140162, MedGen C0027672, MeSH D009386, MONDO:0015356.

Submission:

Ambry Genetics
Classification: Uncertain significance for Hereditary cancer-predisposing syndrome. Last evaluated: 2022-06-10. Review status: criteria provided, single submitter. Criteria: Ambry Variant Classification Scheme 2023. Collection method: clinical testing. Allele origin: germline.
Comment: The p.E693D variant (also known as c.2079G>T), located in coding exon 12 of the PMS2 gene, results from a G to T substitution at nucleotide position 2079. The glutamic acid at codon 693 is replaced by aspartic acid, an amino acid with highly similar properties. This amino acid position is poorly conserved in available vertebrate species. In addition, this alteration is predicted to be tolerated by in silico analysis. Since supporting evidence is limited at this time, the clinical significance of this alteration remains unclear.

NM_000535.7(PMS2):c.2079G>T (p.Glu693Asp)

Gene: PMS2 (PMS1 homolog 2, mismatch repair system component; minus strand). Cytogenetic location: 7p22.1.
Variant type: single nucleotide variant.
Coding change: c.2079G>T on transcript NM_000535.7 (MANE Select); coding-DNA position 2079, G replaced by T.
Protein change: p.Glu693Asp; replaces glutamic acid 693 with aspartic acid.
Molecular consequence: missense variant. On other transcripts: non-coding transcript variant (1).
Genome position (GRCh38, 1-based): chr7:5,982,919, C>A on the plus strand (G>T on the coding strand, the complement: PMS2 is on the minus strand). VCF-style: chr7-5982919-C-A. GRCh37 (hg19) VCF-style: chr7-6022550-C-A.
Other names: c.1674G>T, p.Glu558Asp (NM_001018040.1, NM_001322003.2, NM_001322004.2 and 15 more transcripts); c.1923G>T, p.Glu641Asp (NM_001322006.2, NM_001406870.1); c.1761G>T, p.Glu587Asp (NM_001322007.2, NM_001322008.2, NM_001406876.1 and 1 more transcripts); c.1518G>T, p.Glu506Asp (NM_001322010.2, NM_001406906.1, NM_001406907.1); c.1146G>T, p.Glu382Asp (NM_001322011.2, NM_001322012.2); c.1506G>T, p.Glu502Asp (NM_001322013.2, NM_001406909.1); c.2079G>T, p.Glu693Asp (NM_001322014.2, NM_001406871.1); c.1770G>T, p.Glu590Asp (NM_001322015.2, NM_001406875.1, NM_001406877.1 and 5 more transcripts); and 13 more; short protein forms E382D, E502D, E506D, E522D, E571D, E657D, E701D, E538D.
Identifiers: ClinVar variation 1785511 (VCV001785511.2), dbSNP rs1583299143, ClinGen allele CA366738044.
Genomic context (GRCh38, chr7:5,982,919, plus strand): 5'-CTGCAGCATCTCGAAGTTATACTTCTCGTCCGTGGCATGCTGGTCCACTATGAAGATATC[C>A]TCATTCAGTTTGGTTATTATAAATCCCAGGTTAAACTGACCAATGATTTCCATTTCTGCA-3'
Protein context (NP_000526.2, residues 683-703): NLGFIITKLN[Glu693Asp]DIFIVDQHAT